The following is an entry in ClinVar:

NM_000814.6(GABRB3):c.967G>A (p.Glu323Lys)

Gene: GABRB3 (gamma-aminobutyric acid type A receptor subunit beta3; minus strand). Cytogenetic location: 15q12.
Variant type: single nucleotide variant.
Coding change: c.967G>A on transcript NM_000814.6 (MANE Select); coding-DNA position 967, G replaced by A.
Protein change: p.Glu323Lys; replaces glutamic acid 323 with lysine.
Molecular consequence: missense variant.
Genome position (GRCh38, 1-based): chr15:26,561,045, C>T on the plus strand (G>A on the coding strand, the complement: GABRB3 is on the minus strand). VCF-style: chr15-26561045-C-T. GRCh37 (hg19) VCF-style: chr15-26806192-C-T.
Other names: c.967G>A (NM_000814.5); c.712G>A, p.Glu238Lys (NM_001191320.2, NM_001278631.2); c.754G>A, p.Glu252Lys (NM_001191321.3); c.967G>A, p.Glu323Lys (NM_021912.5); short protein forms E238K, E252K, E323K.
Identifiers: ClinVar variation 2947001 (VCV002947001.4), dbSNP rs2504153338, ClinGen allele CA391461831.

ClinVar aggregate classification (germline): Uncertain significance. Review status: criteria provided, multiple submitters, no conflicts (2 of 4 stars). 2 submissions from 2 submitters: Uncertain significance (2). Last evaluated 2024-12-19.

Conditions:
Epilepsy, childhood absence, susceptibility to, 1. Also called: Epilepsy, childhood absence 1. Identifiers: Orphanet 64280, MedGen C1838604, MONDO:0020759, OMIM 600131.
Epilepsy, childhood absence, susceptibility to, 5. Identifiers: Orphanet 64280, MedGen C2677087, MONDO:0012843, OMIM 612269.

Submissions (2):

GeneDx
Classification: Uncertain significance. Last evaluated: 2024-12-19. Review status: criteria provided, single submitter. Criteria: GeneDx Variant Classification Process June 2021. Collection method: clinical testing. Allele origin: germline. Affected: yes.
Comment: Not observed at significant frequency in large population cohorts (gnomAD); In silico analysis supports that this missense variant has a deleterious effect on protein structure/function; Has not been previously published as pathogenic or benign to our knowledge

Labcorp Genetics (formerly Invitae), Labcorp
Classification: Uncertain significance for Epilepsy, childhood absence, susceptibility to, 5; Epilepsy, childhood absence, susceptibility to, 1. Last evaluated: 2024-01-25. Review status: criteria provided, single submitter. Criteria: Invitae Variant Classification Sherloc (09022015). Collection method: clinical testing. Allele origin: germline.
Comment: This sequence change replaces glutamic acid, which is acidic and polar, with lysine, which is basic and polar, at codon 323 of the GABRB3 protein (p.Glu323Lys). This variant is not present in population databases (gnomAD no frequency). This variant has not been reported in the literature in individuals affected with GABRB3-related conditions. Advanced modeling of protein sequence and biophysical properties (such as structural, functional, and spatial information, amino acid conservation, physicochemical variation, residue mobility, and thermodynamic stability) performed at Invitae indicates that this missense variant is expected to disrupt GABRB3 protein function with a positive predictive value of 95%. In summary, the available evidence is currently insufficient to determine the role of this variant in disease. Therefore, it has been classified as a Variant of Uncertain Significance.